The following is an entry in ClinVar:

ClinVar aggregate classification (germline): Uncertain significance (1 of 4 stars; one submission).

gnomAD v4.1: 3 of 1,614,174 alleles (0.00019%); highest among the groups gnomAD compares: Admixed American, 0.0033%; no homozygotes.

Submission:

Labcorp Genetics (formerly Invitae), Labcorp
Classification: Uncertain significance. Last evaluated: 2025-07-30. Review status: criteria provided, single submitter. Criteria: Invitae Variant Classification Sherloc (09022015). Collection method: clinical testing. Allele origin: germline.
Comment: This sequence change replaces threonine, which is neutral and polar, with serine, which is neutral and polar, at codon 155 of the SLCO5A1 protein (p.Thr155Ser). This variant is present in population databases (no rsID available, gnomAD 0.006%). This variant has not been reported in the literature in individuals affected with SLCO5A1-related conditions. An algorithm developed to predict the effect of missense changes on protein structure and function (PolyPhen-2) suggests that this variant is likely to be disruptive. In summary, the available evidence is currently insufficient to determine the role of this variant in disease. Therefore, it has been classified as a Variant of Uncertain Significance.

NM_030958.3(SLCO5A1):c.464C>G (p.Thr155Ser)

Gene: SLCO5A1 (solute carrier organic anion transporter family member 5A1; minus strand). Cytogenetic location: 8q13.3.
Variant type: single nucleotide variant.
Coding change: c.464C>G on transcript NM_030958.3 (MANE Select); coding-DNA position 464, C replaced by G.
Protein change: p.Thr155Ser; replaces threonine 155 with serine.
Molecular consequence: missense variant.
Genome position (GRCh38, 1-based): chr8:69,832,210, G>C on the plus strand (C>G on the coding strand, the complement: SLCO5A1 is on the minus strand). VCF-style: chr8-69832210-G-C. GRCh37 (hg19) VCF-style: chr8-70744445-G-C.
Other names: c.464C>G, p.Thr155Ser (NM_001146008.2, NM_001146009.1); short protein forms T155S.
Identifiers: ClinVar variation 4803565 (VCV004803565.1).
Genomic context (GRCh38, chr8:69,832,210, plus strand): 5'-TCAAAGCAGCTGACCAGCAGCCCCGACTCGGAACTCTTCAGACTGTAGCGCCTTTCAATG[G>C]TGGTAATTACGCTGCTCAGGTACCCAGAGACCATTAACGCCTGGATGAAGGTCAGAAAGC-3'
Protein context (NP_112220.2, residues 145-165): VSGYLSSVIT[Thr155Ser]IERRYSLKSS